The following is an entry in ClinVar:

NM_003072.5(SMARCA4):c.2363A>C (p.Gln788Pro)

Gene: SMARCA4 (SWI/SNF related BAF chromatin remodeling complex subunit ATPase 4; plus strand). Cytogenetic location: 19p13.2.
Variant type: single nucleotide variant.
Coding change: c.2363A>C on transcript NM_003072.5 (MANE Select); coding-DNA position 2363, A replaced by C.
Protein change: p.Gln788Pro; replaces glutamine 788 with proline.
Molecular consequence: missense variant. On other transcripts: non-coding transcript variant (1).
Genome position (GRCh38, 1-based): chr19:11,013,037, A>C. VCF-style: chr19-11013037-A-C. GRCh37 (hg19) VCF-style: chr19-11123713-A-C.
Other names: c.2363A>C, p.Gln788Pro (NM_001128844.3, NM_001128845.2, NM_001128846.2 and 6 more transcripts); short protein forms Q788P.
Identifiers: ClinVar variation 4085568 (VCV004085568.8).
Genomic context (GRCh38, chr19:11,013,037, plus strand): 5'-TGTACAACAACAACCTGAACGGCATCCTGGCCGACGAGATGGGCCTGGGGAAGACCATCC[A>C]GACCATCGCGCTCATCACGTACCTCATGGAGCACAAACGCATCAATGGGCCCTTCCTCAT-3'
Protein context (NP_003063.2, residues 778-798): ADEMGLGKTI[Gln788Pro]TIALITYLME

ClinVar aggregate classification (germline): Likely pathogenic (1 of 4 stars; one submission).

Submission:

CeGaT Center for Human Genetics Tuebingen
Classification: Likely pathogenic. Last evaluated: 2026-05-01. Review status: criteria provided, single submitter. Criteria: CeGaT Center For Human Genetics Tuebingen Variant Classification Criteria Version 2. Collection method: clinical testing. Allele origin: germline. Affected: yes. Observed: 1 variant allele.
Comment: SMARCA4: PM2, PS2:Moderate, PP2, PP3